The following is an entry in ClinVar:

ClinVar aggregate classification (germline): Conflicting classifications of pathogenicity. Review status: criteria provided, conflicting classifications (1 of 4 stars). 8 submissions from 8 submitters: Uncertain significance (1); Benign (1); Likely benign (6). Last evaluated 2025-11-17.

Conditions:
Classic or attenuated familial adenomatous polyposis. Identifiers: MedGen CN372698, MONDO:0021057.
APC-Associated Polyposis Disorders.
Hereditary cancer-predisposing syndrome. Also called: Tumor predisposition; Neoplastic Syndromes, Hereditary; Hereditary neoplastic syndrome; Hereditary Cancer Syndrome. Identifiers: Orphanet 140162, MedGen C0027672, MeSH D009386, MONDO:0015356.
Familial adenomatous polyposis 1 (FAP1). Also called: FAMILIAL ADENOMATOUS POLYPOSIS 1, ATTENUATED; POLYPOSIS, ADENOMATOUS INTESTINAL. Identifiers: MedGen C2713442, MONDO:0021056, OMIM 175100. Disease mechanism: loss of function.

Allele frequency attached by ClinVar (database versions not stated): TOPMed below 0.00001; gnomAD 0.00001; gnomAD exomes 0.00001.
gnomAD v4.1: 10 of 1,611,786 alleles (0.00062%); highest among the groups gnomAD compares: Non-Finnish European, 0.00076%; no homozygotes.

Submissions (8):

Labcorp Genetics (formerly Invitae), Labcorp
Classification: Likely benign for Familial adenomatous polyposis 1. Last evaluated: 2025-11-17. Review status: criteria provided, single submitter. Criteria: Invitae Variant Classification Sherloc (09022015). Collection method: clinical testing. Allele origin: germline.

Myriad Genetics, Inc.
Classification: Benign for Familial adenomatous polyposis 1. Last evaluated: 2024-03-06. Review status: criteria provided, single submitter. Criteria: Myriad Autosomal Dominant, Autosomal Recessive and X-Linked Classification Criteria (2023). Collection method: clinical testing. Allele origin: unknown.
Comment: This variant is considered benign. This variant is a silent/synonymous amino acid change and it is not expected to impact splicing.

All of Us Research Program, National Institutes of Health
Classification: Likely benign for Classic or attenuated familial adenomatous polyposis. Last evaluated: 2024-01-11. Review status: criteria provided, single submitter. Criteria: ACMG Guidelines, 2015. Collection method: clinical testing. Allele origin: germline. Inheritance: Autosomal dominant inheritance. Observed: 2 variant alleles, 2 heterozygotes.
Comment: This study involves interpretation of variants in research participants for the purpose of population health screening. Participant phenotype was not available at the time of variant classification. Additional details can be found in publication PMID: 35346344, PMCID: PMC8962531

Blueprint Genetics
Classification: Likely benign. Last evaluated: 2022-10-12. Review status: criteria provided, single submitter. Criteria: ACMG Guidelines, 2015. Collection method: clinical testing. Allele origin: germline.

Color Diagnostics, LLC DBA Color Health
Classification: Likely benign for Hereditary cancer-predisposing syndrome. Last evaluated: 2018-05-01. Review status: criteria provided, single submitter. Criteria: ACMG Guidelines, 2015. Collection method: clinical testing. Allele origin: germline.

Illumina Laboratory Services, Illumina
Classification: Uncertain significance for APC-Associated Polyposis Disorders. Last evaluated: 2018-01-13. Review status: criteria provided, single submitter. Criteria: ICSL Variant Classification Criteria 13 December 2019. Collection method: clinical testing. Allele origin: germline.

GeneDx
Classification: Likely benign. Last evaluated: 2016-04-25. Review status: criteria provided, single submitter. Criteria: GeneDx Variant Classification (06012015). Collection method: clinical testing. Allele origin: germline. Affected: yes.
Comment: This variant is considered likely benign or benign based on one or more of the following criteria: it is a conservative change, it occurs at a poorly conserved position in the protein, it is predicted to be benign by multiple in silico algorithms, and/or has population frequency not consistent with disease.

Ambry Genetics
Classification: Likely benign for Hereditary cancer-predisposing syndrome. Last evaluated: 2015-02-20. Review status: criteria provided, single submitter. Criteria: Ambry Variant Classification Scheme 2023. Collection method: clinical testing. Allele origin: germline.

NM_000038.6(APC):c.1722A>G (p.Glu574=)

Gene: APC (APC regulator of Wnt signaling pathway; plus strand). Cytogenetic location: 5q22.2.
Variant type: single nucleotide variant.
Coding change: c.1722A>G on transcript NM_000038.6 (MANE Select); coding-DNA position 1722, A replaced by G.
Protein change: p.Glu574=; no amino-acid change (glutamic acid 574 retained).
Molecular consequence: synonymous variant.
Genome position (GRCh38, 1-based): chr5:112,828,951, A>G. VCF-style: chr5-112828951-A-G. GRCh37 (hg19) VCF-style: chr5-112164648-A-G.
Other names: c.1722A>G, p.Glu574= (NM_001127510.3, NM_001354895.2); c.1668A>G, p.Glu556= (NM_001127511.3); c.1776A>G, p.Glu592= (NM_001354896.2); c.1752A>G, p.Glu584= (NM_001354897.2); c.1647A>G, p.Glu549= (NM_001354898.2); c.1638A>G, p.Glu546= (NM_001354899.2); c.1599A>G, p.Glu533= (NM_001354900.2); c.1545A>G, p.Glu515= (NM_001354901.2); and 5 more.
Identifiers: ClinVar variation 184100 (VCV000184100.25), dbSNP rs786201277, ClinGen allele CA005478.